The following is an entry in ClinVar:

ClinVar aggregate classification (germline): Pathogenic. Review status: criteria provided, multiple submitters, no conflicts (2 of 4 stars). 4 submissions from 4 submitters: Pathogenic (3). 1 of the submissions does not count toward it. Last evaluated 2022-06-10.

Conditions:
Polycystic kidney disease, adult type (PKD1). Also called: Polycystic Kidney Disease 1, Autosomal Dominant; Polycystic kidney disease 1; Polycystic kidney disease 1, severe; POLYCYSTIC KIDNEY DISEASE 1 WITH OR WITHOUT POLYCYSTIC LIVER DISEASE; Polycystic Kidney, Autosomal Dominant; POLYCYSTIC KIDNEY DISEASE, ADULT, TYPE I. Identifiers: MedGen C3149841, MONDO:0008263, OMIM 173900.

Submissions (4):

MGZ Medical Genetics Center
Classification: Pathogenic for Polycystic kidney disease, adult type. Last evaluated: 2022-06-10. Review status: criteria provided, single submitter. Criteria: ACMG Guidelines, 2015. Collection method: clinical testing. Allele origin: germline. Affected: yes. Observed: 1 variant allele.
Comment: ACMG criteria applied: PVS1, PS4_SUP, PM2_SUP, PP4

GeneDx
Classification: Pathogenic. Last evaluated: 2022-04-22. Review status: criteria provided, single submitter. Criteria: GeneDx Variant Classification Process June 2021. Collection method: clinical testing. Allele origin: germline. Affected: yes.
Comment: Canonical splice site variant predicted to result in a null allele in a gene for which loss of function is a known mechanism of disease; Not observed at significant frequency in large population cohorts (gnomAD); This variant is associated with the following publications: (PMID: 22508176, 28502323, 31740684, 17582161, 30927425)

Athena Diagnostics
Classification: Pathogenic. Last evaluated: 2017-10-09. Review status: criteria provided, single submitter. Criteria: Athena Diagnostics Criteria. Collection method: clinical testing. Allele origin: germline.

Gharavi Laboratory, Columbia University
Classification: Pathogenic. Last evaluated: 2018-09-16. Review status: no assertion criteria provided. Criteria: ACMG Guidelines, 2015. Collection method: research. Allele origin: germline. Affected: yes. Not counted in ClinVar's aggregate classification.

Literature cited by the submitters: PubMed 17582161 (cited by Athena Diagnostics).

NM_001009944.3(PKD1):c.8017-2A>G

Gene: PKD1 (polycystin 1, transient receptor potential channel interacting; minus strand). Cytogenetic location: 16p13.3.
Variant type: single nucleotide variant.
Coding change: c.8017-2A>G on transcript NM_001009944.3 (MANE Select); the canonical splice acceptor site of the intron before coding-DNA position 8017, A replaced by G.
Molecular consequence: splice acceptor variant.
Genome position (GRCh38, 1-based): chr16:2,104,644, T>C on the plus strand (A>G on the coding strand, the complement: PKD1 is on the minus strand). VCF-style: chr16-2104644-T-C. GRCh37 (hg19) VCF-style: chr16-2154645-T-C.
Other names: c.8017-2A>G (NM_000296.4).
Identifiers: ClinVar variation 562279 (VCV000562279.5), dbSNP rs1567180640, ClinGen allele CA394365692.
Genomic context (GRCh38, chr16:2,104,644, plus strand): 5'-TCCAGCTTGTGCAGCGTCTGCTTCAGGCACGAGCGGCATACGAGCTCCCTGCTGGGCCCC[T>C]GTGTGGAGCCAGCAGTGTCCAGCCCCGCTCCTGGCCCCACTCCTTGCACACGCCCTCCTC-3'